The following is an entry in ClinVar:

NM_015178.3(RHOBTB2):c.2064G>C (p.Glu688Asp)

Gene: RHOBTB2 (Rho related BTB domain containing 2; plus strand). Cytogenetic location: 8p21.3.
Variant type: single nucleotide variant.
Coding change: c.2064G>C on transcript NM_015178.3 (MANE Select); coding-DNA position 2064, G replaced by C.
Protein change: p.Glu688Asp; replaces glutamic acid 688 with aspartic acid.
Molecular consequence: missense variant.
Genome position (GRCh38, 1-based): chr8:23,017,349, G>C. VCF-style: chr8-23017349-G-C. GRCh37 (hg19) VCF-style: chr8-22874862-G-C.
Other names: c.2130G>C, p.Glu710Asp (NM_001160036.2); c.2085G>C, p.Glu695Asp (NM_001160037.2); c.2064G>C, p.Glu688Asp (NM_001374791.1); short protein forms E688D, E695D, E710D.
Identifiers: ClinVar variation 3391227 (VCV003391227.1).
Genomic context (GRCh38, chr8:23,017,349, plus strand): 5'-TGTGTGGTACCTGAAGGAGGAAGATCATTACCAGCGGGCACGGAAGGAGCGTGAGAAGGA[G>C]GACTACCTCCACCTCAAGCGGCAGCCCAAACGGCGTTGGCTCTTCTGGAACAGTCCATCC-3'
Protein context (NP_055993.2, residues 678-698): YQRARKEREK[Glu688Asp]DYLHLKRQPK

ClinVar aggregate classification (germline): Uncertain significance (1 of 4 stars; one submission).

Conditions:
Developmental and epileptic encephalopathy, 64. Also called: EPILEPTIC ENCEPHALOPATHY, EARLY INFANTILE, 64. Identifiers: MedGen C4693899, MONDO:0033373, OMIM 618004.

gnomAD v4.1: 3 of 1,614,224 alleles (0.00019%); highest among the groups gnomAD compares: South Asian, 0.0011%; no homozygotes.

Submission:

Neuberg Centre For Genomic Medicine, NCGM
Classification: Uncertain significance for Developmental and epileptic encephalopathy, 64. Last evaluated: 2023-07-22. Review status: criteria provided, single submitter. Criteria: ACMG Guidelines, 2015. Collection method: clinical testing. Allele origin: germline. Inheritance: Autosomal dominant inheritance. Affected: yes.
Comment: The observed missense c.2064G>Cp.Glu688Asp variant in RHOBTB2 gene has not been reported previously as a pathogenic variant nor as a benign variant, to our knowledge. This variant is absent in gnomAD Exomes. The amino acid Glu at position 688 is changed to a Asp changing protein sequence and it might alter its composition and physico-chemical properties. The amino acid change p.Glu688Asp in RHOBTB2 is predicted as conserved by GERP++ and PhyloP across 100 vertebrates. Multiple lines of computational evidence Polyphen - Damaging, SIFT - Damaging, and MutationTaster - Disease causing predict a damaging effect on protein structure and function for this variant. For these reasons, this variant has been classified as Uncertain Significance.